The following is an entry in ClinVar:

NM_000059.4(BRCA2):c.1151C>T (p.Ser384Phe)

Gene: BRCA2 (BRCA2 DNA repair associated; plus strand). Cytogenetic location: 13q13.1.
Variant type: single nucleotide variant.
Coding change: c.1151C>T on transcript NM_000059.4 (MANE Select); coding-DNA position 1151, C replaced by T.
Protein change: p.Ser384Phe; replaces serine 384 with phenylalanine.
Molecular consequence: missense variant.
Genome position (GRCh38, 1-based): chr13:32,332,629, C>T. VCF-style: chr13-32332629-C-T. GRCh37 (hg19) VCF-style: chr13-32906766-C-T.
Other names: p.S384F:TCC>TTC; 1379C>T; short protein forms S384F.
Identifiers: ClinVar variation 41541 (VCV000041541.104), dbSNP rs41293475, ClinGen allele CA010970.

ClinVar aggregate classification (germline): Benign. Review status: reviewed by expert panel (3 of 4 stars). 42 submissions from 40 submitters: Benign (1). 41 of the submissions do not count toward it. Last evaluated 2015-08-10.

Conditions:
Wilms tumor 1 (WT1). Also called: Wilms tumor, somatic. Identifiers: Orphanet 654, MedGen CN033288, MONDO:0008679, OMIM 194070.
Medulloblastoma (MDB). Also called: Medulloblastoma, somatic; MEDULLOBLASTOMA PREDISPOSITION SYNDROME. Identifiers: Orphanet 616, MedGen C0025149, MeSH D008527, MONDO:0007959, OMIM 155255, HP:0002885.
Breast-ovarian cancer, familial, susceptibility to, 2 (BROVCA2). Also called: BRCA2 Hereditary Breast and Ovarian Cancer. Identifiers: Orphanet 145, MedGen C2675520, MONDO:0012933, OMIM 612555. Disease mechanism: loss of function.
Familial cancer of breast. Also called: Hereditary breast cancer; hereditary breast carcinoma; BREAST CANCER, FAMILIAL. Identifiers: Orphanet 227535, MedGen C0346153, MONDO:0016419, OMIM 114480. Disease mechanism: loss of function.
Glioma susceptibility 3 (GLM3). Also called: Glioblastoma 3. Identifiers: Orphanet 182067, Orphanet 360, MedGen C2751641, MONDO:0013093, OMIM 613029.
Pancreatic cancer, susceptibility to, 2. Identifiers: Orphanet 1333, MedGen C3150546, MONDO:0013235, OMIM 613347.
Prostate cancer. Also called: Malignant tumor of prostate. Identifiers: Orphanet 1331, MedGen C0376358, MONDO:0008315, HP:0012125.
Fanconi anemia complementation group D1. Also called: BRCA2-Related Fanconi Anemia. Identifiers: Orphanet 319462, MedGen C1838457, MONDO:0011584, OMIM 605724.
BRCA2-related cancer predisposition. Identifiers: MedGen CN377758, MONDO:0700269.
Breast and/or ovarian cancer. Identifiers: MedGen CN221562.
Hereditary cancer-predisposing syndrome. Also called: Neoplastic Syndromes, Hereditary; Hereditary neoplastic syndrome; Hereditary Cancer Syndrome; Tumor predisposition. Identifiers: Orphanet 140162, MedGen C0027672, MeSH D009386, MONDO:0015356.
Breast neoplasm. Also called: Breast Neoplasms; Neoplasm of breast; Breast tumor; Neoplasm of the breast. Identifiers: MedGen C1458155, MeSH D001943, MONDO:0021100, HP:0100013. Disease mechanism: gain of function.
Hereditary breast ovarian cancer syndrome. Also called: Hereditary breast and ovarian cancer syndrome (HBOC); Breast and ovarian cancer; BRCA1- and BRCA2-Associated Hereditary Breast and Ovarian Cancer; Hereditary breast and ovarian cancer syndrome; Hereditary breast and ovarian cancer; Hereditary breast and/or ovarian cancer syndrome. Identifiers: Orphanet 145, MedGen C0677776, MeSH D061325, MONDO:0003582. Disease mechanism: loss of function.

Allele frequency attached by ClinVar (database versions not stated): gnomAD 0.00073 and 0.00074; gnomAD exomes 0.00136 and 0.00076; ESP Exome Variant Server 0.00109; ExAC 0.00068; TOPMed 0.00079.
gnomAD v4.1: 2,072 of 1,614,058 alleles (0.13%); highest among the groups gnomAD compares: Non-Finnish European, 0.16%; 2 homozygotes.

Submissions 1 to 17 of 42:

Evidence-based Network for the Interpretation of Germline Mutant Alleles (ENIGMA)
Classification: Benign for Breast-ovarian cancer, familial 2. Last evaluated: 2015-08-10. Review status: reviewed by expert panel. Criteria: ENIGMA BRCA1/2 Classification Criteria (2015). Collection method: curation. Allele origin: germline.
Comment: IARC class based on posterior probability from multifactorial likelihood analysis, thresholds for class as per Plon et al. 2008 (PMID: 18951446). Class 1 based on posterior probability = 0.000424

CeGaT Center for Human Genetics Tuebingen
Classification: Benign. Last evaluated: 2026-10-01. Review status: criteria provided, single submitter. Criteria: CeGaT Center For Human Genetics Tuebingen Variant Classification Criteria Version 2. Collection method: clinical testing. Allele origin: germline. Affected: yes. Observed: 30 variant alleles. Not counted in ClinVar's aggregate classification.
Comment: BRCA2: BP4, BS1, BS2

Labcorp Genetics (formerly Invitae), Labcorp
Classification: Benign for Hereditary breast ovarian cancer syndrome. Last evaluated: 2026-02-04. Review status: criteria provided, single submitter. Criteria: Invitae Variant Classification Sherloc (09022015). Collection method: clinical testing. Allele origin: germline. Not counted in ClinVar's aggregate classification.

Dasa
Classification: Benign for Breast-ovarian cancer, familial, susceptibility to, 2. Last evaluated: 2025-12-11. Review status: criteria provided, single submitter. Criteria: DASA Assertion Criteria. Collection method: clinical testing. Allele origin: germline. Not counted in ClinVar's aggregate classification.
Comment: NM_000059.4(BRCA2):c.1151C>T (p.Ser384Phe) is a missense variant that results in the substitution of serine with phenylalanine. Population frequency is inconsistent with a disease-causing role for this variant, and observations in unaffected individuals support a benign interpretation. Therefore, based on the currently available evidence, this variant is classified as benign.

ARUP Laboratories, Molecular Genetics and Genomics, ARUP Laboratories
Classification: Benign. Last evaluated: 2025-03-07. Review status: criteria provided, single submitter. Criteria: ARUP Molecular Germline Variant Investigation Process 2024. Collection method: clinical testing. Allele origin: germline. Not counted in ClinVar's aggregate classification.

Center for Genomic Medicine, Rigshospitalet, Copenhagen University Hospital
Classification: Benign. Last evaluated: 2025-03-04. Review status: criteria provided, single submitter. Criteria: ACMG Guidelines, 2015. Collection method: clinical testing. Allele origin: germline. Not counted in ClinVar's aggregate classification.

KCCC/NGS Laboratory, Kuwait Cancer Control Center
Classification: Benign for Familial cancer of breast. Last evaluated: 2025-02-01. Review status: criteria provided, single submitter. Criteria: ACMG Guidelines, 2015. Collection method: clinical testing. Allele origin: germline. Affected: no. Not counted in ClinVar's aggregate classification.

Blueprint Genetics
Classification: Likely benign. Last evaluated: 2024-11-27. Review status: criteria provided, single submitter. Criteria: ACMG Guidelines, 2015. Collection method: clinical testing. Allele origin: germline. Not counted in ClinVar's aggregate classification.

All of Us Research Program, National Institutes of Health
Classification: Likely benign for BRCA2-related cancer predisposition. Last evaluated: 2024-09-23. Review status: criteria provided, single submitter. Criteria: ACMG Guidelines, 2015. Collection method: clinical testing. Allele origin: germline. Inheritance: Autosomal dominant inheritance. Observed: 343 variant alleles, 342 heterozygotes, 1 homozygote. Not counted in ClinVar's aggregate classification.
Comment: This study involves interpretation of variants in research participants for the purpose of population health screening. Participant phenotype was not available at the time of variant classification. Additional details can be found in publication PMID: 35346344, PMCID: PMC8962531

KCCC/NGS Laboratory, Kuwait Cancer Control Center
Classification: Benign for Breast-ovarian cancer, familial, susceptibility to, 2. Last evaluated: 2023-07-07. Review status: criteria provided, single submitter. Criteria: ACMG Guidelines, 2015. Collection method: clinical testing. Allele origin: germline. Affected: yes. Not counted in ClinVar's aggregate classification.

CHEO Genetics Diagnostic Laboratory, Children's Hospital of Eastern Ontario
Classification: Likely benign for Breast and/or ovarian cancer. Last evaluated: 2023-05-01. Review status: criteria provided, single submitter. Criteria: ACMG Guidelines, 2015. Collection method: clinical testing. Allele origin: germline. Not counted in ClinVar's aggregate classification.

Institute for Biomarker Research, Medical Diagnostic Laboratories, L.L.C.
Classification: Likely benign for Hereditary breast ovarian cancer syndrome. Last evaluated: 2022-12-08. Review status: criteria provided, single submitter. Criteria: ACMG Guidelines, 2015. Collection method: clinical testing. Allele origin: germline. Not counted in ClinVar's aggregate classification.

Fulgent Genetics
Classification: Likely benign for Familial cancer of breast; Medulloblastoma; Familial prostate cancer; Wilms tumor 1; Fanconi anemia complementation group D1; Breast-ovarian cancer, familial, susceptibility to, 2; Glioma susceptibility 3; Pancreatic cancer, susceptibility to, 2. Last evaluated: 2022-05-19. Review status: criteria provided, single submitter. Criteria: ACMG Guidelines, 2015. Collection method: clinical testing. Allele origin: unknown. Not counted in ClinVar's aggregate classification.

Institute for Clinical Genetics, University Hospital TU Dresden, University Hospital TU Dresden
Classification: Benign. Last evaluated: 2021-11-03. Review status: criteria provided, single submitter. Criteria: ACMG Guidelines, 2015. Collection method: clinical testing. Allele origin: germline. Not counted in ClinVar's aggregate classification.

Sema4
Classification: Likely benign for Hereditary cancer-predisposing syndrome. Last evaluated: 2021-05-17. Review status: criteria provided, single submitter. Criteria: Sema4 Curation Guidelines. Collection method: curation. Allele origin: germline. Not counted in ClinVar's aggregate classification.

Mendelics
Classification: Likely benign for Breast-ovarian cancer, familial, susceptibility to, 2. Last evaluated: 2019-05-28. Review status: criteria provided, single submitter. Criteria: Mendelics Assertion Criteria 2017. Collection method: clinical testing. Allele origin: unknown. Not counted in ClinVar's aggregate classification.

Illumina Laboratory Services, Illumina
Classification: Likely benign for Breast-ovarian cancer, familial, susceptibility to, 2. Last evaluated: 2018-03-06. Review status: criteria provided, single submitter. Criteria: ICSL Variant Classification Criteria 13 December 2019. Collection method: clinical testing. Allele origin: germline. Not counted in ClinVar's aggregate classification.
Comment: This variant was observed in the ICSL laboratory as part of a predisposition screen in an ostensibly healthy population. It had not been previously curated by ICSL or reported in the Human Gene Mutation Database (HGMD: prior to June 1st, 2018), and was therefore a candidate for classification through an automated scoring system. Utilizing variant allele frequency, disease prevalence and penetrance estimates, and inheritance mode, an automated score was calculated to assess if this variant is too frequent to cause the disease. Based on the score and internal cut-off values, a variant classified as likely benign is not then subjected to further curation. The score for this variant resulted in a classification of likely benign for this disease.